The following is an entry in ClinVar:

NM_032444.4(SLX4):c.4882A>T (p.Thr1628Ser)

Gene: SLX4 (SLX4 structure-specific endonuclease subunit; minus strand). Cytogenetic location: 16p13.3.
Variant type: single nucleotide variant.
Coding change: c.4882A>T on transcript NM_032444.4 (MANE Select); coding-DNA position 4882, A replaced by T.
Protein change: p.Thr1628Ser; replaces threonine 1628 with serine.
Molecular consequence: missense variant.
Genome position (GRCh38, 1-based): chr16:3,583,368, T>A on the plus strand (A>T on the coding strand, the complement: SLX4 is on the minus strand). VCF-style: chr16-3583368-T-A. GRCh37 (hg19) VCF-style: chr16-3633369-T-A.
Other names: c.4882A>T (LRG_503t1); short protein forms T1628S.
Identifiers: ClinVar variation 646186 (VCV000646186.5), dbSNP rs201688321, ClinGen allele CA7865480.

ClinVar aggregate classification (germline): Uncertain significance. Review status: criteria provided, multiple submitters, no conflicts (2 of 4 stars). 2 submissions from 2 submitters: Uncertain significance (2). Last evaluated 2025-12-29.

Conditions:
Inborn genetic diseases. Identifiers: MedGen C0950123, MeSH D030342.
Fanconi anemia (FA). Also called: Fanconi's anemia. Identifiers: Orphanet 84, MedGen C0015625, MeSH D005199, MONDO:0019391.

Allele frequency attached by ClinVar (database versions not stated): 1000 Genomes Project 30x 0.00062; gnomAD exomes 0.00001; gnomAD 0.00003 and 0.00001; 1000 Genomes Project 0.00040; TOPMed below 0.00001; ExAC 0.00001.
gnomAD v4.1: 12 of 1,613,060 alleles (0.00074%); highest among the groups gnomAD compares: Admixed American, 0.02%; no homozygotes.

Submissions (2):

Ambry Genetics
Classification: Uncertain significance for Inborn genetic diseases. Last evaluated: 2025-12-29. Review status: criteria provided, single submitter. Criteria: Ambry Variant Classification Scheme 2023. Collection method: clinical testing. Allele origin: germline.

Labcorp Genetics (formerly Invitae), Labcorp
Classification: Uncertain significance for Fanconi anemia. Last evaluated: 2021-11-27. Review status: criteria provided, single submitter. Criteria: Invitae Variant Classification Sherloc (09022015). Collection method: clinical testing. Allele origin: germline.
Comment: This sequence change replaces threonine, which is neutral and polar, with serine, which is neutral and polar, at codon 1628 of the SLX4 protein (p.Thr1628Ser). This variant is not present in population databases (gnomAD no frequency). This variant has not been reported in the literature in individuals affected with SLX4-related conditions. ClinVar contains an entry for this variant (Variation ID: 646186). Algorithms developed to predict the effect of missense changes on protein structure and function output the following: SIFT: "Tolerated"; PolyPhen-2: "Benign"; Align-GVGD: "Class C0". The serine amino acid residue is found in multiple mammalian species, which suggests that this missense change does not adversely affect protein function. In summary, the available evidence is currently insufficient to determine the role of this variant in disease. Therefore, it has been classified as a Variant of Uncertain Significance.